The following is an entry in ClinVar:

ClinVar aggregate classification (germline): Likely benign. Review status: criteria provided, multiple submitters, no conflicts (2 of 4 stars). 2 submissions from 2 submitters: Likely benign (2). Last evaluated 2025-04-01.

Conditions:
Bardet-Biedl syndrome (BBS). Identifiers: Orphanet 110, MedGen C0752166, MONDO:0015229.

Allele frequency attached by ClinVar (database versions not stated): gnomAD exomes below 0.00001.

Submissions (2):

CeGaT Center for Human Genetics Tuebingen
Classification: Likely benign. Last evaluated: 2025-04-01. Review status: criteria provided, single submitter. Criteria: CeGaT Center For Human Genetics Tuebingen Variant Classification Criteria Version 2. Collection method: clinical testing. Allele origin: germline. Affected: yes. Observed: 1 variant allele.
Comment: BBS9: BP4, BP7

Labcorp Genetics (formerly Invitae), Labcorp
Classification: Likely benign for Bardet-Biedl syndrome. Last evaluated: 2025-03-12. Review status: criteria provided, single submitter. Criteria: Invitae Variant Classification Sherloc (09022015). Collection method: clinical testing. Allele origin: germline.

NM_198428.3(BBS9):c.1305C>T (p.Asp435=)

Gene: BBS9 (Bardet-Biedl syndrome 9; plus strand). Cytogenetic location: 7p14.3.
Variant type: single nucleotide variant.
Coding change: c.1305C>T on transcript NM_198428.3 (MANE Select); coding-DNA position 1305, C replaced by T.
Protein change: p.Asp435=; no amino-acid change (aspartic acid 435 retained).
Molecular consequence: synonymous variant. On other transcripts: non-coding transcript variant (3).
Genome position (GRCh38, 1-based): chr7:33,344,610, C>T. VCF-style: chr7-33344610-C-T. GRCh37 (hg19) VCF-style: chr7-33384222-C-T.
Other names: c.1305C>T, p.Asp435= (NM_001033604.2, NM_001033605.2, NM_001348036.1 and 5 more transcripts); c.939C>T, p.Asp313= (NM_001348037.3, NM_001348044.3, NM_001348045.3 and 1 more transcripts); c.1032C>T, p.Asp344= (NM_001348038.3, NM_001348039.3); c.1170C>T, p.Asp390= (NM_001348042.3).
Identifiers: ClinVar variation 1077863 (VCV001077863.19), dbSNP rs2128647066, ClinGen allele CA454455412.
Genomic context (GRCh38, chr7:33,344,610, plus strand): 5'-CTTTCTTGCCTTCTCAATTCTGTGTTTACAGCAAGCGACCGATGTTGAGGTGGGAACTGA[C>T]CTTGTCCCTTCTGTCACGGTGAAGGTATTGTACCAGATTTTAGACTGTAATGTGCAAACA-3'
Protein context (NP_940820.1, residues 425-445): SQATDVEVGT[Asp435=]LVPSVTVKVT